The following is an entry in ClinVar:

NM_000074.3(CD40LG):c.429A>C (p.Lys143Asn)

Gene: CD40LG (CD40 ligand; plus strand). Cytogenetic location: Xq26.3.
Variant type: single nucleotide variant.
Coding change: c.429A>C on transcript NM_000074.3 (MANE Select); coding-DNA position 429, A replaced by C.
Protein change: p.Lys143Asn; replaces lysine 143 with asparagine.
Molecular consequence: missense variant.
Genome position (GRCh38, 1-based): chrX:136,659,058, A>C. VCF-style: chrX-136659058-A-C. GRCh37 (hg19) VCF-style: chrX-135741217-A-C.
Other names: short protein forms K143N.
Identifiers: ClinVar variation 633146 (VCV000633146.10), dbSNP rs1569377744, ClinGen allele CA414755594.

ClinVar aggregate classification (germline): Uncertain significance. Review status: criteria provided, multiple submitters, no conflicts (2 of 4 stars). 2 submissions from 2 submitters: Uncertain significance (2). Last evaluated 2022-02-25.

Conditions:
Hyper-IgM syndrome type 1. Also called: Hyper-IgM Immunodeficiency Syndrome, Type 1; CD40 Ligand Deficiency; X-linked hyper-IgM syndrome; Immunodeficiency, X-linked, with hyper-IgM. Identifiers: Orphanet 101088, MedGen C0398689, MONDO:0010626, OMIM 308230.

Submissions (2):

Labcorp Genetics (formerly Invitae), Labcorp
Classification: Uncertain significance for Hyper-IgM syndrome type 1. Last evaluated: 2022-02-25. Review status: criteria provided, single submitter. Criteria: Invitae Variant Classification Sherloc (09022015). Collection method: clinical testing. Allele origin: germline.
Comment: In summary, the available evidence is currently insufficient to determine the role of this variant in disease. Therefore, it has been classified as a Variant of Uncertain Significance. Experimental studies have shown that this missense change affects CD40LG function (PMID: 9605317). Algorithms developed to predict the effect of missense changes on protein structure and function are either unavailable or do not agree on the potential impact of this missense change (SIFT: "Deleterious"; PolyPhen-2: "Probably Damaging"; Align-GVGD: "Class C0"). ClinVar contains an entry for this variant (Variation ID: 633146). This variant has not been reported in the literature in individuals affected with CD40LG-related conditions. This variant is not present in population databases (gnomAD no frequency). This sequence change replaces lysine, which is basic and polar, with asparagine, which is neutral and polar, at codon 143 of the CD40LG protein (p.Lys143Asn).

Women's Health and Genetics/Laboratory Corporation of America, LabCorp
Classification: Uncertain significance. Last evaluated: 2018-05-11. Review status: criteria provided, single submitter. Criteria: LabCorp Variant Classification Summary - May 2015. Collection method: clinical testing. Allele origin: germline.
Comment: Variant summary: CD40LG c.429A>C (p.Lys143Asn) results in a non-conservative amino acid change located in the tumor necrosis factor domain (IPR006052) of the encoded protein sequence. In silico studies using molecular modeling predicted that the amino acid residue affected by the variant is located in the CD40L/CD40 association interface (Singh 1998). Five of five in-silico tools predict a damaging effect of the variant on protein function. The variant was absent in 199915 control chromosomes (gnomAD). The available data on variant occurrences in the general population are insufficient to allow any conclusion about variant significance. To our knowledge, no occurrence of c.429A>C in individuals affected with Hyper IgM Syndrome Type 1 has been reported. At least one publication reports experimental evidence evaluating an impact on protein function, where site-directed mutagenesis experiments showed that the variant might affect CD40 binding (Singh 1998). However, these results do not allow convincing conclusions about the variant effect. No clinical diagnostic laboratories have submitted clinical-significance assessments for this variant to ClinVar after 2014. Based on the evidence outlined above, the variant was classified as uncertain significance.

Literature cited by the submitters: PubMed 9605317 (cited by Labcorp Genetics (formerly Invitae), Labcorp and Women's Health and Genetics/Laboratory Corporation of America, LabCorp).